The following is an entry in ClinVar:

NM_001042492.3(NF1):c.1967C>A (p.Ala656Asp)

Gene: NF1 (neurofibromin 1; plus strand). Cytogenetic location: 17q11.2.
Variant type: single nucleotide variant.
Coding change: c.1967C>A on transcript NM_001042492.3 (MANE Select); coding-DNA position 1967, C replaced by A.
Protein change: p.Ala656Asp; replaces alanine 656 with aspartic acid.
Molecular consequence: missense variant.
Genome position (GRCh38, 1-based): chr17:31,225,216, C>A. VCF-style: chr17-31225216-C-A. GRCh37 (hg19) VCF-style: chr17-29552234-C-A.
Other names: c.1967C>A, p.Ala656Asp (NM_000267.4); short protein forms A656D.
Identifiers: ClinVar variation 954132 (VCV000954132.4), dbSNP rs775414476, ClinGen allele CA8485887.
Genomic context (GRCh38, chr17:31,225,216, plus strand): 5'-CTAGTGGAAATACCAGTCAAATGTCCATGGATCATGAAGAATTACTACGTACTCCTGGAG[C>A]CTCTCTCCGGAAGGGAAAAGGGAACTCCTCTATGGTCAGCTTCTTCTGTACTTTTTCTGT-3'
Protein context (NP_001035957.1, residues 646-666): DHEELLRTPG[Ala656Asp]SLRKGKGNSS

ClinVar aggregate classification (germline): Uncertain significance (1 of 4 stars; one submission).

Conditions:
Neurofibromatosis, type 1 (NF1). Also called: VON RECKLINGHAUSEN DISEASE; NEUROFIBROMATOSIS, TYPE I, SOMATIC; Peripheral type neurofibromatosis; Neurofibromatosis, type I. Identifiers: Orphanet 636, MedGen C0027831, MONDO:0018975, OMIM 162200. Disease mechanism: loss of function.

Allele frequency attached by ClinVar (database versions not stated): gnomAD exomes below 0.00001; ExAC 0.00001.
gnomAD v4.1: 1 of 1,613,722 alleles (0.000062%); highest among the groups gnomAD compares: South Asian, 0.0011%; no homozygotes.

Submission:

Labcorp Genetics (formerly Invitae), Labcorp
Classification: Uncertain significance for Neurofibromatosis, type 1. Last evaluated: 2022-11-26. Review status: criteria provided, single submitter. Criteria: Invitae Variant Classification Sherloc (09022015). Collection method: clinical testing. Allele origin: germline.
Comment: This sequence change replaces alanine, which is neutral and non-polar, with aspartic acid, which is acidic and polar, at codon 656 of the NF1 protein (p.Ala656Asp). This variant is present in population databases (rs775414476, gnomAD 0.003%). This variant has not been reported in the literature in individuals affected with NF1-related conditions. ClinVar contains an entry for this variant (Variation ID: 954132). Advanced modeling of protein sequence and biophysical properties (such as structural, functional, and spatial information, amino acid conservation, physicochemical variation, residue mobility, and thermodynamic stability) performed at Invitae indicates that this missense variant is not expected to disrupt NF1 protein function. In summary, the available evidence is currently insufficient to determine the role of this variant in disease. Therefore, it has been classified as a Variant of Uncertain Significance.